The following is an entry in ClinVar:

NM_212482.4(FN1):c.1958G>A (p.Arg653His)

Gene: FN1 (fibronectin 1; minus strand). Cytogenetic location: 2q35.
Variant type: single nucleotide variant.
Coding change: c.1958G>A on transcript NM_212482.4 (MANE Select); coding-DNA position 1958, G replaced by A.
Protein change: p.Arg653His; replaces arginine 653 with histidine.
Molecular consequence: missense variant.
Genome position (GRCh38, 1-based): chr2:215,410,098, C>T on the plus strand (G>A on the coding strand, the complement: FN1 is on the minus strand). VCF-style: chr2-215410098-C-T. GRCh37 (hg19) VCF-style: chr2-216274821-C-T.
Other names: c.1958G>A, p.Arg653His (NM_001306129.2, NM_001306130.2, NM_001306131.2 and 13 more transcripts); short protein forms R653H.
Identifiers: ClinVar variation 3585529 (VCV003585529.3).

ClinVar aggregate classification (germline): Uncertain significance. Review status: criteria provided, multiple submitters, no conflicts (2 of 4 stars). 2 submissions from 2 submitters: Uncertain significance (2). Last evaluated 2025-04-27.

Conditions:
Glomerulopathy with fibronectin deposits 2 (GFND2). Identifiers: Orphanet 84090, MedGen C1866075, MONDO:0011165, OMIM 601894.
Spondylometaphyseal dysplasia - Sutcliffe type. Also called: Sutcliffe type of spondylometaphyseal dysplasia; Sutcliffe SMD; Spondylometaphyseal dysplasia, 'corner fracture' type; Spondylometaphyseal Dysplasia, Corner Fracture Type. Identifiers: Orphanet 93315, MedGen C0432221, MONDO:0008479, OMIM 184255.

gnomAD v4.1: 110 of 1,611,036 alleles (0.0068%); highest among the groups gnomAD compares: Non-Finnish European, 0.0085%; no homozygotes.

Submissions (2):

Labcorp Genetics (formerly Invitae), Labcorp
Classification: Uncertain significance. Last evaluated: 2025-04-27. Review status: criteria provided, single submitter. Criteria: Invitae Variant Classification Sherloc (09022015). Collection method: clinical testing. Allele origin: germline.
Comment: This sequence change replaces arginine, which is basic and polar, with histidine, which is basic and polar, at codon 653 of the FN1 protein (p.Arg653His). This variant is present in population databases (rs766594997, gnomAD 0.01%). This variant has not been reported in the literature in individuals affected with FN1-related conditions. ClinVar contains an entry for this variant (Variation ID: 3585529). An algorithm developed to predict the effect of missense changes on protein structure and function outputs the following: PolyPhen-2: "Benign". The histidine amino acid residue is found in multiple mammalian species, which suggests that this missense change does not adversely affect protein function. In summary, the available evidence is currently insufficient to determine the role of this variant in disease. Therefore, it has been classified as a Variant of Uncertain Significance.

Fulgent Genetics
Classification: Uncertain significance for Spondylometaphyseal dysplasia - Sutcliffe type; Glomerulopathy with fibronectin deposits 2. Last evaluated: 2024-04-22. Review status: criteria provided, single submitter. Criteria: ACMG Guidelines, 2015. Collection method: clinical testing. Allele origin: germline.